The following is an entry in ClinVar:

NM_153717.3(EVC):c.186_187del (p.Gln63fs)

Gene: EVC (EvC ciliary complex subunit 1; plus strand). Cytogenetic location: 4p16.2.
Variant type: Deletion.
Coding change: c.186_187del on transcript NM_153717.3 (MANE Select); coding-DNA positions 186 to 187, 2 bases deleted (TC; older notation c.186_187delTC).
Protein change: p.Gln63fs; shifts the reading frame from glutamine 63.
Molecular consequence: frameshift variant.
Genome position (GRCh38, 1-based): chr4:5,719,259-5,719,260, TC deleted; deleting any 2 consecutive bases within chr4:5,719,258-5,719,260 gives the same sequence; the c. name uses the placement nearest the transcript's 3' end. VCF-style (leftmost placement, unchanged base first): chr4-5719257-ACT-A. GRCh37 (hg19) VCF-style: chr4-5720984-ACT-A.
Other names: c.186_187del, p.Gln63fs (NM_001306090.2, NM_001306092.2); short protein forms Q63fs.
Identifiers: ClinVar variation 2203507 (VCV002203507.4), dbSNP rs2474373707, ClinGen allele CA2580070941.
Genomic context (GRCh38, chr4:5,719,257, plus strand): 5'-CCTCAATGTTGTGTTTCTATCCACCCCCAACTCCTGACCTTCGGGTTTTAGAAAGACGAC[ACT>A]CAAAATCTGCTCAAGAATTTGGAGTCTAATGCGCAGACCCCCTCGGAAACTGGCTCCCCA-3'

ClinVar aggregate classification (germline): Pathogenic (1 of 4 stars; one submission).

Conditions:
Curry-Hall syndrome (WAD). Also called: WEYERS ACRODENTAL DYSOSTOSIS. Identifiers: Orphanet 952, MedGen C0457013, MONDO:0008673, OMIM 193530.
Ellis-van Creveld syndrome (EVC). Also called: MESOECTODERMAL DYSPLASIA; EVC-Related Ellis-van Creveld Syndrome; EVC2-Related Ellis-van Creveld Syndrome; Chondroectodermal dysplasia. Identifiers: Orphanet 289, MedGen C0013903, MONDO:0009162, OMIM 225500.

Submission:

Labcorp Genetics (formerly Invitae), Labcorp
Classification: Pathogenic for Curry-Hall syndrome; Ellis-van Creveld syndrome. Last evaluated: 2022-03-15. Review status: criteria provided, single submitter. Criteria: Invitae Variant Classification Sherloc (09022015). Collection method: clinical testing. Allele origin: germline.
Comment: This sequence change creates a premature translational stop signal (p.Gln63Lysfs*9) in the EVC gene. It is expected to result in an absent or disrupted protein product. Loss-of-function variants in EVC are known to be pathogenic (PMID: 23220543). This variant is not present in population databases (gnomAD no frequency). This premature translational stop signal has been observed in individual(s) with clinical features of Ellis-van Creveld syndrome (PMID: 23220543, 25174843). For these reasons, this variant has been classified as Pathogenic.

Literature cited by the submitters: PubMed 23220543; PubMed 25174843.